The following is an entry in ClinVar:

NM_030943.4(AMN):c.250G>A (p.Gly84Arg)

Genes: AMN (amnion associated transmembrane protein; plus strand), LOC130056553 (ATAC-STARR-seq lymphoblastoid silent region 6135; plus strand). Cytogenetic location: 14q32.32.
Variant type: single nucleotide variant.
Coding change: c.250G>A on transcript NM_030943.4 (MANE Select); coding-DNA position 250, G replaced by A.
Protein change: p.Gly84Arg; replaces glycine 84 with arginine.
Molecular consequence: missense variant.
Genome position (GRCh38, 1-based): chr14:102,928,468, G>A. VCF-style: chr14-102928468-G-A. GRCh37 (hg19) VCF-style: chr14-103394805-G-A.
Other names: short protein forms G84R.
Identifiers: ClinVar variation 1957879 (VCV001957879.5), dbSNP rs758005644, ClinGen allele CA7359831.

ClinVar aggregate classification (germline): Uncertain significance (1 of 4 stars; one submission).

Conditions:
Imerslund-Grasbeck syndrome. Also called: Imerslund-Gräsbeck syndrome; PERNICIOUS ANEMIA, JUVENILE, DUE TO SELECTIVE INTESTINAL MALABSORPTION OF VITAMIN B12, WITH PROTEINURIA; ENTEROCYTE COBALAMIN MALABSORPTION; ENTEROCYTE INTRINSIC FACTOR RECEPTOR, DEFECT OF; Megaloblastic anemia due to inborn errors of metabolism. Identifiers: Orphanet 35858, MedGen C4551825, MONDO:0009853.

Allele frequency attached by ClinVar (database versions not stated): ExAC 0.00001; gnomAD exomes 0.00001.
gnomAD v4.1: 5 of 1,609,730 alleles (0.00031%); highest among the groups gnomAD compares: Admixed American, 0.0084%; no homozygotes.

Submission:

Labcorp Genetics (formerly Invitae), Labcorp
Classification: Uncertain significance for Imerslund-Grasbeck syndrome. Last evaluated: 2026-01-05. Review status: criteria provided, single submitter. Criteria: Invitae Variant Classification Sherloc (09022015). Collection method: clinical testing. Allele origin: germline.
Comment: This sequence change replaces glycine, which is neutral and non-polar, with arginine, which is basic and polar, at codon 84 of the AMN protein (p.Gly84Arg). The frequency data for this variant in the population databases is considered unreliable, as metrics indicate poor data quality at this position in the gnomAD database. This variant has not been reported in the literature in individuals affected with AMN-related conditions. ClinVar contains an entry for this variant (Variation ID: 1957879). Invitae Evidence Modeling of protein sequence and biophysical properties (such as structural, functional, and spatial information, amino acid conservation, physicochemical variation, residue mobility, and thermodynamic stability) indicates that this missense variant is not expected to disrupt AMN protein function with a negative predictive value of 80%. In summary, the available evidence is currently insufficient to determine the role of this variant in disease. Therefore, it has been classified as a Variant of Uncertain Significance.